The following is an entry in ClinVar:

NM_004104.5(FASN):c.1712G>A (p.Gly571Glu)

Gene: FASN (fatty acid synthase; minus strand). Cytogenetic location: 17q25.3.
Variant type: single nucleotide variant.
Coding change: c.1712G>A on transcript NM_004104.5 (MANE Select); coding-DNA position 1712, G replaced by A.
Protein change: p.Gly571Glu; replaces glycine 571 with glutamic acid.
Molecular consequence: missense variant.
Genome position (GRCh38, 1-based): chr17:82,090,533, C>T on the plus strand (G>A on the coding strand, the complement: FASN is on the minus strand). VCF-style: chr17-82090533-C-T. GRCh37 (hg19) VCF-style: chr17-80048409-C-T.
Other names: short protein forms G571E.
Identifiers: ClinVar variation 576195 (VCV000576195.10), dbSNP rs143978140, ClinGen allele CA8853044.

ClinVar aggregate classification (germline): Uncertain significance. Review status: criteria provided, multiple submitters, no conflicts (2 of 4 stars). 2 submissions from 2 submitters: Uncertain significance (2). Last evaluated 2024-08-17.

Conditions:
Epileptic encephalopathy. Identifiers: MedGen C0543888, HP:0200134.

Allele frequency attached by ClinVar (database versions not stated): gnomAD exomes 0.00004 and 0.00009; ExAC 0.00010; gnomAD 0.00019 and 0.00021; 1000 Genomes Project 0.00020; TOPMed 0.00028; 1000 Genomes Project 30x 0.00031; ESP Exome Variant Server 0.00054.
gnomAD v4.1: 93 of 1,612,068 alleles (0.0058%); highest among the groups gnomAD compares: African/African-American, 0.081%; no homozygotes.

Submissions (2):

Labcorp Genetics (formerly Invitae), Labcorp
Classification: Uncertain significance for Epileptic encephalopathy. Last evaluated: 2024-08-17. Review status: criteria provided, single submitter. Criteria: Invitae Variant Classification Sherloc (09022015). Collection method: clinical testing. Allele origin: germline.
Comment: This sequence change replaces glycine, which is neutral and non-polar, with glutamic acid, which is acidic and polar, at codon 571 of the FASN protein (p.Gly571Glu). This variant is present in population databases (rs143978140, gnomAD 0.07%), and has an allele count higher than expected for a pathogenic variant. This variant has not been reported in the literature in individuals affected with FASN-related conditions. ClinVar contains an entry for this variant (Variation ID: 576195). An algorithm developed to predict the effect of missense changes on protein structure and function (PolyPhen-2) suggests that this variant is likely to be disruptive. In summary, the available evidence is currently insufficient to determine the role of this variant in disease. Therefore, it has been classified as a Variant of Uncertain Significance.

Ambry Genetics
Classification: Uncertain significance. Last evaluated: 2024-02-27. Review status: criteria provided, single submitter. Criteria: Ambry Variant Classification Scheme 2023. Collection method: clinical testing. Allele origin: germline.